The following is an entry in ClinVar:

NM_005188.4(CBL):c.322A>G (p.Thr108Ala)

Gene: CBL (Cbl proto-oncogene; plus strand). Cytogenetic location: 11q23.3.
Variant type: single nucleotide variant.
Coding change: c.322A>G on transcript NM_005188.4 (MANE Select); coding-DNA position 322, A replaced by G.
Protein change: p.Thr108Ala; replaces threonine 108 with alanine.
Molecular consequence: missense variant.
Genome position (GRCh38, 1-based): chr11:119,232,574, A>G. VCF-style: chr11-119232574-A-G. GRCh37 (hg19) VCF-style: chr11-119103284-A-G.
Other names: short protein forms T108A.
Identifiers: ClinVar variation 4613816 (VCV004613816.1).

ClinVar aggregate classification (germline): Uncertain significance (1 of 4 stars; one submission).

Conditions:
Cardiovascular phenotype. Identifiers: MedGen CN230736.

Submission:

Ambry Genetics
Classification: Uncertain significance for Cardiovascular phenotype. Last evaluated: 2025-09-19. Review status: criteria provided, single submitter. Criteria: Ambry Variant Classification Scheme 2023. Collection method: clinical testing. Allele origin: germline.
Comment: The p.T108A variant (also known as c.322A>G), located in coding exon 2 of the CBL gene, results from an A to G substitution at nucleotide position 322. The threonine at codon 108 is replaced by alanine, an amino acid with similar properties. This amino acid position is conserved. In addition, this alteration is predicted to be tolerated by in silico analysis. Based on the available evidence, the clinical significance of this variant remains unclear.